The following is an entry in ClinVar:

ClinVar aggregate classification (germline): Uncertain significance (1 of 4 stars; one submission).

Conditions:
Arrhythmogenic right ventricular dysplasia 9 (ARVD9). Also called: Arrhythmogenic Right Ventricular Dysplasia/Cardiomyopathy 9; ARRHYTHMOGENIC RIGHT VENTRICULAR DYSPLASIA, FAMILIAL, 9. Identifiers: MedGen C1836906, MONDO:0012180, OMIM 609040.

Submission:

Labcorp Genetics (formerly Invitae), Labcorp
Classification: Uncertain significance for Arrhythmogenic right ventricular dysplasia 9. Last evaluated: 2023-05-29. Review status: criteria provided, single submitter. Criteria: Invitae Variant Classification Sherloc (09022015). Collection method: clinical testing. Allele origin: germline.
Comment: Algorithms developed to predict the effect of missense changes on protein structure and function output the following: SIFT: "Not Available"; PolyPhen-2: "Benign"; Align-GVGD: "Not Available". The threonine amino acid residue is found in multiple mammalian species, which suggests that this missense change does not adversely affect protein function. In summary, the available evidence is currently insufficient to determine the role of this variant in disease. Therefore, it has been classified as a Variant of Uncertain Significance. This variant has not been reported in the literature in individuals affected with PKP2-related conditions. This variant is not present in population databases (gnomAD no frequency). This sequence change replaces alanine, which is neutral and non-polar, with threonine, which is neutral and polar, at codon 873 of the PKP2 protein (p.Ala873Thr).

NM_001005242.3(PKP2):c.2485G>A (p.Ala829Thr)

Gene: PKP2 (plakophilin 2; minus strand). Cytogenetic location: 12p11.21.
Variant type: single nucleotide variant.
Coding change: c.2485G>A on transcript NM_001005242.3 (MANE Select); coding-DNA position 2485, G replaced by A.
Protein change: p.Ala829Thr; replaces alanine 829 with threonine.
Molecular consequence: missense variant. On other transcripts: synonymous variant (2).
Genome position (GRCh38, 1-based): chr12:32,792,453, C>T on the plus strand (G>A on the coding strand, the complement: PKP2 is on the minus strand). VCF-style: chr12-32792453-C-T. GRCh37 (hg19) VCF-style: chr12-32945387-C-T.
Other names: c.2295G>A, p.Leu765= (NM_001407155.1); c.2320G>A, p.Ala774Thr (NM_001407156.1); c.1968G>A, p.Leu656= (NM_001407160.1); c.2617G>A, p.Ala873Thr (NM_004572.4); c.2158G>A, p.Ala720Thr (NM_001407158.1, NM_001407159.1); short protein forms A829T, A873T, A720T, A774T.
Identifiers: ClinVar variation 2746286 (VCV002746286.3), dbSNP rs1046323987, ClinGen allele CA384356732.